The following is an entry in ClinVar:

NM_033004.4(NLRP1):c.3247A>G (p.Thr1083Ala)

Gene: NLRP1 (NLR family pyrin domain containing 1; minus strand). Cytogenetic location: 17p13.2.
Variant type: single nucleotide variant.
Coding change: c.3247A>G on transcript NM_033004.4 (MANE Select); coding-DNA position 3247, A replaced by G.
Protein change: p.Thr1083Ala; replaces threonine 1083 with alanine.
Molecular consequence: missense variant.
Genome position (GRCh38, 1-based): chr17:5,532,871, T>C on the plus strand (A>G on the coding strand, the complement: NLRP1 is on the minus strand). VCF-style: chr17-5532871-T-C. GRCh37 (hg19) VCF-style: chr17-5436191-T-C.
Other names: c.3259A>G, p.Thr1087Ala (NM_001033053.3); c.3247A>G, p.Thr1083Ala (NM_014922.5); c.3157A>G, p.Thr1053Ala (NM_033006.4, NM_033007.4); short protein forms T1087A, T1083A, T1053A.
Identifiers: ClinVar variation 1380045 (VCV001380045.8), dbSNP rs1173064381, ClinGen allele CA397391521.

ClinVar aggregate classification (germline): Uncertain significance (1 of 4 stars; one submission).

Allele frequency attached by ClinVar (database versions not stated): gnomAD 0.00001; TOPMed 0.00001.

Submission:

Labcorp Genetics (formerly Invitae), Labcorp
Classification: Uncertain significance. Last evaluated: 2021-01-19. Review status: criteria provided, single submitter. Criteria: Invitae Variant Classification Sherloc (09022015). Collection method: clinical testing. Allele origin: germline.
Comment: Algorithms developed to predict the effect of missense changes on protein structure and function (SIFT, PolyPhen-2, Align-GVGD) all suggest that this variant is likely to be tolerated, but these predictions have not been confirmed by published functional studies and their clinical significance is uncertain. This variant has not been reported in the literature in individuals with NLRP1-related conditions. This variant is not present in population databases (ExAC no frequency). This sequence change replaces threonine with alanine at codon 1083 of the NLRP1 protein (p.Thr1083Ala). The threonine residue is moderately conserved and there is a small physicochemical difference between threonine and alanine. In summary, the available evidence is currently insufficient to determine the role of this variant in disease. Therefore, it has been classified as a Variant of Uncertain Significance.